The following is an entry in ClinVar:

NM_001256071.3(RNF213):c.2774C>T (p.Ser925Phe)

Gene: RNF213 (ring finger protein 213; plus strand). Cytogenetic location: 17q25.3.
Variant type: single nucleotide variant.
Coding change: c.2774C>T on transcript NM_001256071.3 (MANE Select); coding-DNA position 2774, C replaced by T.
Protein change: p.Ser925Phe; replaces serine 925 with phenylalanine.
Molecular consequence: missense variant.
Genome position (GRCh38, 1-based): chr17:80,313,130, C>T. VCF-style: chr17-80313130-C-T. GRCh37 (hg19) VCF-style: chr17-78286930-C-T.
Other names: c.2921C>T, p.Ser974Phe (NM_001410195.1, NM_020914.5); c.2774C>T, p.Ser925Phe (NM_020954.4); short protein forms S925F, S974F.
Identifiers: ClinVar variation 4535591 (VCV004535591.1).
Genomic context (GRCh38, chr17:80,313,130, plus strand): 5'-GGACCCTTGCTGCTACGAAAAGGTGGCTCCGAGAAGTTTTTACAAAGAACATGCTCACAT[C>T]TTCAGGTGCCTCATTCACATACGTCAAGGAAATTGAGGTAGGCATTTGGCCGAAGGCTTC-3'
Protein context (NP_001243000.2, residues 915-935): REVFTKNMLT[Ser925Phe]SGASFTYVKE

ClinVar aggregate classification (germline): Uncertain significance (1 of 4 stars; one submission).

gnomAD v4.1: 2 of 1,614,172 alleles (0.00012%); highest among the groups gnomAD compares: Admixed American, 0.0033%; no homozygotes.

Submission:

Women's Health and Genetics/Laboratory Corporation of America, LabCorp
Classification: Uncertain significance. Last evaluated: 2025-09-11. Review status: criteria provided, single submitter. Criteria: LabCorp Variant Classification Summary - May 2015. Collection method: clinical testing. Allele origin: germline.
Comment: Variant summary: RNF213 c.2774C>T (p.Ser925Phe) results in a non-conservative amino acid change in the encoded protein sequence. Algorithms developed to predict the effect of missense changes on protein structure and function are either unavailable or do not agree on the potential impact of this missense change. The variant allele was found at a frequency of 8e-06 in 251432 control chromosomes. The available data on variant occurrences in the general population are insufficient to allow any conclusion about variant significance. To our knowledge, no occurrence of c.2774C>T in individuals affected with RNF213-related conditions and no experimental evidence demonstrating its impact on protein function have been reported. No submitters have cited clinical-significance assessments for this variant to ClinVar. Based on the evidence outlined above, the variant was classified as uncertain significance.